The following is an entry in ClinVar:

ClinVar aggregate classification (germline): Uncertain significance (1 of 4 stars; one submission).

gnomAD v4.1: 7 of 1,614,064 alleles (0.00043%); highest among the groups gnomAD compares: Non-Finnish European, 0.00059%; no homozygotes.

Submission:

Labcorp Genetics (formerly Invitae), Labcorp
Classification: Uncertain significance. Last evaluated: 2025-05-05. Review status: criteria provided, single submitter. Criteria: Invitae Variant Classification Sherloc (09022015). Collection method: clinical testing. Allele origin: germline.
Comment: This sequence change replaces aspartic acid, which is acidic and polar, with glutamic acid, which is acidic and polar, at codon 1686 of the FOCAD protein (p.Asp1686Glu). This variant is present in population databases (rs201929700, gnomAD 0.002%). This variant has not been reported in the literature in individuals affected with FOCAD-related conditions. ClinVar contains an entry for this variant (Variation ID: 3718418). Experimental studies and prediction algorithms are not available or were not evaluated, and the functional significance of this variant is currently unknown. In summary, the available evidence is currently insufficient to determine the role of this variant in disease. Therefore, it has been classified as a Variant of Uncertain Significance.

NM_001375567.1(FOCAD):c.5058C>G (p.Asp1686Glu)

Gene: FOCAD (focadhesin; plus strand). Cytogenetic location: 9p21.3.
Variant type: single nucleotide variant.
Coding change: c.5058C>G on transcript NM_001375567.1 (MANE Select); coding-DNA position 5058, C replaced by G.
Protein change: p.Asp1686Glu; replaces aspartic acid 1686 with glutamic acid.
Molecular consequence: missense variant.
Genome position (GRCh38, 1-based): chr9:20,990,176, C>G. VCF-style: chr9-20990176-C-G. GRCh37 (hg19) VCF-style: chr9-20990175-C-G.
Other names: c.4953C>G, p.Asp1651Glu (NM_001375568.1, NM_001375570.1); c.5058C>G, p.Asp1686Glu (NM_017794.5); short protein forms D1686E, D1651E.
Identifiers: ClinVar variation 3718418 (VCV003718418.2).